The following is an entry in ClinVar:

ClinVar aggregate classification (germline): Uncertain significance (1 of 4 stars; one submission).

Conditions:
3-methylglutaconic aciduria type 1 (MGCA1). Identifiers: Orphanet 67046, MedGen C0342727, MONDO:0009610, OMIM 250950.

gnomAD v4.1: 6 of 1,600,044 alleles (0.00037%); highest among the groups gnomAD compares: South Asian, 0.0066%; no homozygotes.

Submission:

Labcorp Genetics (formerly Invitae), Labcorp
Classification: Uncertain significance for 3-methylglutaconic aciduria type 1. Last evaluated: 2024-08-01. Review status: criteria provided, single submitter. Criteria: Invitae Variant Classification Sherloc (09022015). Collection method: clinical testing. Allele origin: germline.
Comment: This sequence change falls in intron 3 of the AUH gene. It does not directly change the encoded amino acid sequence of the AUH protein. It affects a nucleotide within the consensus splice site. This variant is present in population databases (rs573626639, gnomAD 0.003%). This variant has not been reported in the literature in individuals affected with AUH-related conditions. Variants that disrupt the consensus splice site are a relatively common cause of aberrant splicing (PMID: 17576681, 9536098). Algorithms developed to predict the effect of sequence changes on RNA splicing suggest that this variant may disrupt the consensus splice site. In summary, the available evidence is currently insufficient to determine the role of this variant in disease. Therefore, it has been classified as a Variant of Uncertain Significance.

Literature cited by the submitters: PubMed 17576681; PubMed 9536098.

NM_001698.3(AUH):c.418+5G>A

Gene: AUH (AU RNA binding methylglutaconyl-CoA hydratase; minus strand). Cytogenetic location: 9q22.31.
Variant type: single nucleotide variant.
Coding change: c.418+5G>A on transcript NM_001698.3 (MANE Select); 5 bases into the intron after coding-DNA position 418, G replaced by A.
Molecular consequence: intron variant.
Genome position (GRCh38, 1-based): chr9:91,355,878, C>T on the plus strand (G>A on the coding strand, the complement: AUH is on the minus strand). VCF-style: chr9-91355878-C-T. GRCh37 (hg19) VCF-style: chr9-94118160-C-T.
Other names: c.418+5G>A (NM_001306190.2); c.91+5G>A (NM_001351433.2, NM_001351431.2, NM_001351432.2).
Identifiers: ClinVar variation 3659969 (VCV003659969.2).